The following is an entry in ClinVar:

NM_001852.4(COL9A2):c.1804G>T (p.Glu602Ter)

Gene: COL9A2 (collagen type IX alpha 2 chain; minus strand). Cytogenetic location: 1p34.2.
Variant type: single nucleotide variant.
Coding change: c.1804G>T on transcript NM_001852.4 (MANE Select); coding-DNA position 1804, G replaced by T.
Protein change: p.Glu602Ter; replaces glutamic acid 602 with a stop codon.
Molecular consequence: nonsense.
Genome position (GRCh38, 1-based): chr1:40,301,878, C>A on the plus strand (G>T on the coding strand, the complement: COL9A2 is on the minus strand). VCF-style: chr1-40301878-C-A. GRCh37 (hg19) VCF-style: chr1-40767550-C-A.
Other names: short protein forms E602*.
Identifiers: ClinVar variation 2635390 (VCV002635390.3), dbSNP rs1643920064, ClinGen allele CA339874840.

ClinVar aggregate classification (germline): Uncertain significance (0 of 4 stars; one submission).

Conditions:
COL9A2-related disorder. Also called: COL9A2-related condition.

Submission:

PreventionGenetics, part of Exact Sciences
Classification: Uncertain significance for COL9A2-related condition. Last evaluated: 2023-11-12. Review status: no assertion criteria provided. Collection method: clinical testing. Allele origin: germline.
Comment: The COL9A2 c.1804G>T variant is predicted to result in premature protein termination (p.Glu602*). To our knowledge, this variant has not been reported in the literature or in a large population database, indicating this variant is rare. Although we suspect that this variant may be pathogenic, at this time, the clinical significance of this variant is uncertain due to the absence of conclusive functional and genetic evidence.